The following is an entry in ClinVar:

NM_005235.3(ERBB4):c.799G>T (p.Val267Phe)

Gene: ERBB4 (erb-b2 receptor tyrosine kinase 4; minus strand). Cytogenetic location: 2q34.
Variant type: single nucleotide variant.
Coding change: c.799G>T on transcript NM_005235.3 (MANE Select); coding-DNA position 799, G replaced by T.
Protein change: p.Val267Phe; replaces valine 267 with phenylalanine.
Molecular consequence: missense variant.
Genome position (GRCh38, 1-based): chr2:211,722,477, C>A on the plus strand (G>T on the coding strand, the complement: ERBB4 is on the minus strand). VCF-style: chr2-211722477-C-A. GRCh37 (hg19) VCF-style: chr2-212587202-C-A.
Other names: c.799G>T, p.Val267Phe (NM_001042599.2); short protein forms V267F.
Identifiers: ClinVar variation 3704122 (VCV003704122.2).
Genomic context (GRCh38, chr2:211,722,477, plus strand): 5'-CTCCATATGTGTACTTTGCATTGAAATTGTGCTCCAGTTGAAAGGTGGTTGGATTGTAGA[C>A]AAAGGTTTGGGGACACTGAGTAACACATGCTCCACTGTCATTGAAATTCATGCAGGCCTG-3'
Protein context (NP_005226.1, residues 257-277): ACVTQCPQTF[Val267Phe]YNPTTFQLEH

ClinVar aggregate classification (germline): Uncertain significance (1 of 4 stars; one submission).

gnomAD v4.1: 1 of 1,613,930 alleles (0.000062%); highest among the groups gnomAD compares: South Asian, 0.0011%; no homozygotes.

Submission:

Labcorp Genetics (formerly Invitae), Labcorp
Classification: Uncertain significance. Last evaluated: 2024-10-02. Review status: criteria provided, single submitter. Criteria: Invitae Variant Classification Sherloc (09022015). Collection method: clinical testing. Allele origin: germline.
Comment: This sequence change replaces valine, which is neutral and non-polar, with phenylalanine, which is neutral and non-polar, at codon 267 of the ERBB4 protein (p.Val267Phe). This variant is not present in population databases (gnomAD no frequency). This variant has not been reported in the literature in individuals affected with ERBB4-related conditions. Invitae Evidence Modeling of protein sequence and biophysical properties (such as structural, functional, and spatial information, amino acid conservation, physicochemical variation, residue mobility, and thermodynamic stability) indicates that this missense variant is not expected to disrupt ERBB4 protein function with a negative predictive value of 80%. In summary, the available evidence is currently insufficient to determine the role of this variant in disease. Therefore, it has been classified as a Variant of Uncertain Significance.